The following is an entry in ClinVar:

ClinVar aggregate classification (germline): Uncertain significance (1 of 4 stars; one submission).

Conditions:
Werner syndrome (WRN). Identifiers: Orphanet 902, MedGen C0043119, MONDO:0010196, OMIM 277700.

Submission:

Labcorp Genetics (formerly Invitae), Labcorp
Classification: Uncertain significance for Werner syndrome. Last evaluated: 2020-02-29. Review status: criteria provided, single submitter. Criteria: Invitae Variant Classification Sherloc (09022015). Collection method: clinical testing. Allele origin: germline.
Comment: In summary, the available evidence is currently insufficient to determine the role of this variant in disease. Therefore, it has been classified as a Variant of Uncertain Significance. Algorithms developed to predict the effect of missense changes on protein structure and function (SIFT, PolyPhen-2, Align-GVGD) all suggest that this variant is likely to be tolerated, but these predictions have not been confirmed by published functional studies and their clinical significance is uncertain. This variant has not been reported in the literature in individuals with WRN-related conditions. This variant is not present in population databases (ExAC no frequency). This sequence change replaces serine with alanine at codon 492 of the WRN protein (p.Ser492Ala). The serine residue is moderately conserved and there is a moderate physicochemical difference between serine and alanine.

NM_000553.6(WRN):c.1474T>G (p.Ser492Ala)

Gene: WRN (WRN RecQ like helicase; plus strand). Cytogenetic location: 8p12.
Variant type: single nucleotide variant.
Coding change: c.1474T>G on transcript NM_000553.6 (MANE Select); coding-DNA position 1474, T replaced by G.
Protein change: p.Ser492Ala; replaces serine 492 with alanine.
Molecular consequence: missense variant.
Genome position (GRCh38, 1-based): chr8:31,087,818, T>G. VCF-style: chr8-31087818-T-G. GRCh37 (hg19) VCF-style: chr8-30945334-T-G.
Other names: short protein forms S492A.
Identifiers: ClinVar variation 849520 (VCV000849520.5), dbSNP rs1813591846, ClinGen allele CA370924355.